The following is an entry in ClinVar:

ClinVar aggregate classification (germline): Uncertain significance. Review status: criteria provided, multiple submitters, no conflicts (2 of 4 stars). 5 submissions from 5 submitters: Uncertain significance (5). Last evaluated 2025-11-08.

Conditions:
Inborn genetic diseases. Identifiers: MedGen C0950123, MeSH D030342.
Microcephaly 5, primary, autosomal recessive (MCPH5). Also called: ASPM Primary Microcephaly. Identifiers: Orphanet 2512, MedGen C1837501, MONDO:0012106, OMIM 608716.

Allele frequency attached by ClinVar (database versions not stated): gnomAD exomes 0.00001 and 0.00004; ExAC 0.00004; gnomAD 0.00006; TOPMed 0.00012; 1000 Genomes Project 30x 0.00016; 1000 Genomes Project 0.00020; ESP Exome Variant Server 0.00023.
gnomAD v4.1: 22 of 1,612,976 alleles (0.0014%); highest among the groups gnomAD compares: African/African-American, 0.024%; no homozygotes.

Submissions (5):

Ambry Genetics
Classification: Uncertain significance for Inborn genetic diseases. Last evaluated: 2025-11-08. Review status: criteria provided, single submitter. Criteria: Ambry Variant Classification Scheme 2023. Collection method: clinical testing. Allele origin: germline.

Blueprint Genetics
Classification: Uncertain significance. Last evaluated: 2024-06-13. Review status: criteria provided, single submitter. Criteria: ACMG Guidelines, 2015. Collection method: clinical testing. Allele origin: germline.

Genome-Nilou Lab
Classification: Uncertain significance for Microcephaly 5, primary, autosomal recessive. Last evaluated: 2023-04-11. Review status: criteria provided, single submitter. Criteria: ACMG Guidelines, 2015. Collection method: clinical testing. Allele origin: germline. Affected: no.

Labcorp Genetics (formerly Invitae), Labcorp
Classification: Uncertain significance. Last evaluated: 2022-10-01. Review status: criteria provided, single submitter. Criteria: Invitae Variant Classification Sherloc (09022015). Collection method: clinical testing. Allele origin: germline.
Comment: This sequence change replaces glutamine, which is neutral and polar, with arginine, which is basic and polar, at codon 1824 of the ASPM protein (p.Gln1824Arg). This variant is present in population databases (rs62623448, gnomAD 0.05%). This variant has not been reported in the literature in individuals affected with ASPM-related conditions. ClinVar contains an entry for this variant (Variation ID: 286694). Advanced modeling of protein sequence and biophysical properties (such as structural, functional, and spatial information, amino acid conservation, physicochemical variation, residue mobility, and thermodynamic stability) performed at Invitae indicates that this missense variant is not expected to disrupt ASPM protein function. In summary, the available evidence is currently insufficient to determine the role of this variant in disease. Therefore, it has been classified as a Variant of Uncertain Significance.

Eurofins Ntd Llc (ga)
Classification: Uncertain significance. Last evaluated: 2016-03-24. Review status: criteria provided, single submitter. Criteria: EGL Classification Definitions 2015. Collection method: clinical testing. Allele origin: germline. Observed: 1 variant allele, 1 heterozygote.

NM_018136.5(ASPM):c.5471A>G (p.Gln1824Arg)

Gene: ASPM (assembly factor for spindle microtubules; minus strand). Cytogenetic location: 1q31.3.
Variant type: single nucleotide variant.
Coding change: c.5471A>G on transcript NM_018136.5 (MANE Select); coding-DNA position 5471, A replaced by G.
Protein change: p.Gln1824Arg; replaces glutamine 1824 with arginine.
Molecular consequence: missense variant. On other transcripts: intron variant (1).
Genome position (GRCh38, 1-based): chr1:197,103,780, T>C on the plus strand (A>G on the coding strand, the complement: ASPM is on the minus strand). VCF-style: chr1-197103780-T-C. GRCh37 (hg19) VCF-style: chr1-197072910-T-C.
Other names: c.5471A>G (NM_018136.4); c.4066-7616A>G (NM_001206846.2); short protein forms Q1824R.
Identifiers: ClinVar variation 286694 (VCV000286694.11), dbSNP rs62623448, ClinGen allele CA1309752.